The following is an entry in ClinVar:

ClinVar aggregate classification (germline): Benign/Likely benign. Review status: criteria provided, multiple submitters, no conflicts (2 of 4 stars). 4 submissions from 4 submitters: Benign (1); Likely benign (3). Last evaluated 2025-06-13.

Conditions:
Hereditary cancer-predisposing syndrome. Also called: Neoplastic Syndromes, Hereditary; Tumor predisposition; Hereditary Cancer Syndrome; Hereditary neoplastic syndrome. Identifiers: Orphanet 140162, MedGen C0027672, MeSH D009386, MONDO:0015356.
Von Hippel-Lindau syndrome (VHLS). Also called: von Hippel–Lindau syndrome; VHL syndrome; Von Hippel-Lindau. Identifiers: Orphanet 892, MedGen C0019562, MONDO:0008667, OMIM 193300. Disease mechanism: loss of function.
Chuvash polycythemia. Also called: POLYCYTHEMIA, VHL-DEPENDENT. Identifiers: Orphanet 238557, MedGen C1837915, MONDO:0009892, OMIM 263400.

Allele frequency attached by ClinVar (database versions not stated): TOPMed 0.00001.

Submissions (4):

Myriad Genetics, Inc.
Classification: Benign for Von Hippel-Lindau syndrome. Last evaluated: 2025-06-13. Review status: criteria provided, single submitter. Criteria: Myriad Autosomal Dominant, Autosomal Recessive and X-Linked Classification Criteria (2023). Collection method: clinical testing. Allele origin: unknown.
Comment: This variant is considered benign. This variant is a silent/synonymous amino acid change and it is not expected to impact splicing.

Labcorp Genetics (formerly Invitae), Labcorp
Classification: Likely benign for Von Hippel-Lindau syndrome; Chuvash polycythemia. Last evaluated: 2025-02-04. Review status: criteria provided, single submitter. Criteria: Invitae Variant Classification Sherloc (09022015). Collection method: clinical testing. Allele origin: germline.

All of Us Research Program, National Institutes of Health
Classification: Likely benign for Von Hippel-Lindau syndrome. Last evaluated: 2023-02-15. Review status: criteria provided, single submitter. Criteria: ACMG Guidelines, 2015. Collection method: clinical testing. Allele origin: germline. Inheritance: Autosomal dominant inheritance. Observed: 1 variant allele, 1 heterozygote.
Comment: This study involves interpretation of variants in research participants for the purpose of population health screening. Participant phenotype was not available at the time of variant classification. Additional details can be found in publication PMID: 35346344, PMCID: PMC8962531

Ambry Genetics
Classification: Likely benign for Hereditary cancer-predisposing syndrome. Last evaluated: 2021-03-28. Review status: criteria provided, single submitter. Criteria: Ambry Variant Classification Scheme 2023. Collection method: clinical testing. Allele origin: germline.

NM_000551.4(VHL):c.519G>A (p.Glu173=)

Genes: VHL (von Hippel-Lindau tumor suppressor; plus strand), LOC107303340 (3p25 von Hippel-Lindau tumor suppressor, E3 ubiquitin protein ligase Alu-mediated recombination region; plus strand). Cytogenetic location: 3p25.3.
Variant type: single nucleotide variant.
Coding change: c.519G>A on transcript NM_000551.4 (MANE Select); coding-DNA position 519, G replaced by A.
Protein change: p.Glu173=; no amino-acid change (glutamic acid 173 retained).
Molecular consequence: synonymous variant. On other transcripts: 3 prime UTR variant (1), non-coding transcript variant (1).
Genome position (GRCh38, 1-based): chr3:10,149,842, G>A. VCF-style: chr3-10149842-G-A. GRCh37 (hg19) VCF-style: chr3-10191526-G-A.
Other names: c.*73G>A (NM_001354723.2); c.396G>A, p.Glu132= (NM_198156.3).
Identifiers: ClinVar variation 1745991 (VCV001745991.7), dbSNP rs1696359154, ClinGen allele CA432423397.